The following is an entry in ClinVar:

ClinVar aggregate classification (germline): Likely benign. Review status: criteria provided, multiple submitters, no conflicts (2 of 4 stars). 6 submissions from 6 submitters: Likely benign (5). 1 of the submissions does not count toward it. Last evaluated 2024-05-08.

Conditions:
Charcot-Marie-Tooth Neuropathy X. Identifiers: MedGen CN118851.
Combined oxidative phosphorylation deficiency. Identifiers: MedGen C4540031, MONDO:0000732.
Inborn genetic diseases. Identifiers: MedGen C0950123, MeSH D030342.
Deafness, X-linked 5 (DFNX5). Also called: AUDITORY NEUROPATHY, X-LINKED, 1, WITH PERIPHERAL SENSORY NEUROPATHY; DEAFNESS, X-LINKED 5, WITH PERIPHERAL NEUROPATHY. Identifiers: Orphanet 139583, MedGen C1845095, OMIM 300614.

Allele frequency attached by ClinVar (database versions not stated): gnomAD exomes 0.00001 and 0.00008; gnomAD 0.00003; TOPMed 0.00005; ExAC 0.00007.
gnomAD v4.1: 16 of 1,208,216 alleles (0.0013%); highest among the groups gnomAD compares: East Asian, 0.039%; no homozygotes.

Submissions (6):

Blueprint Genetics
Classification: Likely benign. Last evaluated: 2024-05-08. Review status: criteria provided, single submitter. Criteria: ACMG Guidelines, 2015. Collection method: clinical testing. Allele origin: germline.

Labcorp Genetics (formerly Invitae), Labcorp
Classification: Likely benign for Charcot-Marie-Tooth Neuropathy X; Combined oxidative phosphorylation deficiency. Last evaluated: 2024-02-17. Review status: criteria provided, single submitter. Criteria: Invitae Variant Classification Sherloc (09022015). Collection method: clinical testing. Allele origin: germline.

CeGaT Center for Human Genetics Tuebingen
Classification: Likely benign. Last evaluated: 2024-01-01. Review status: criteria provided, single submitter. Criteria: CeGaT Center For Human Genetics Tuebingen Variant Classification Criteria Version 2. Collection method: clinical testing. Allele origin: germline. Affected: yes. Observed: 2 variant alleles.
Comment: AIFM1: BP4, BP7, BS2

GeneDx
Classification: Likely benign. Last evaluated: 2020-08-03. Review status: criteria provided, single submitter. Criteria: GeneDx Variant Classification Process June 2021. Collection method: clinical testing. Allele origin: germline. Affected: yes.

Ambry Genetics
Classification: Likely benign for Inborn genetic diseases. Last evaluated: 2019-07-11. Review status: criteria provided, single submitter. Criteria: Ambry Variant Classification Scheme 2023. Collection method: clinical testing. Allele origin: germline.

Deafness Gene Diagnosis, Xijing Hospital
Classification: Likely benign for Deafness, X-linked 5. Review status: no assertion criteria provided. Collection method: clinical testing. Allele origin: unknown. Inheritance: Sporadic. Affected: yes. Observed: 1 variant allele, 1 homozygote. Not counted in ClinVar's aggregate classification.
Comment: synonymous mutation

NM_004208.4(AIFM1):c.1113C>T (p.Ser371=)

Genes: AIFM1 (apoptosis inducing factor mitochondria associated 1; minus strand), RAB33A (RAB33A, member RAS oncogene family; plus strand). Cytogenetic location: Xq26.1.
Variant type: single nucleotide variant.
Coding change: c.1113C>T on transcript NM_004208.4 (MANE Select); coding-DNA position 1113, C replaced by T.
Protein change: p.Ser371=; no amino-acid change (serine 371 retained).
Molecular consequence: synonymous variant. On other transcripts: 3 prime UTR variant (1), non-coding transcript variant (1).
Genome position (GRCh38, 1-based): chrX:130,136,694, G>A on the plus strand (C>T on the coding strand, the complement: AIFM1 is on the minus strand). VCF-style: chrX-130136694-G-A. GRCh37 (hg19) VCF-style: chrX-129270669-G-A.
Other names: c.96C>T, p.Ser32= (NM_001130846.4); c.*341C>T (NM_001130847.4); c.1101C>T, p.Ser367= (NM_145812.3).
Identifiers: ClinVar variation 162486 (VCV000162486.38), dbSNP rs724160027, ClinGen allele CA175080.